The following is an entry in ClinVar:

ClinVar aggregate classification (germline): Uncertain significance (1 of 4 stars; one submission).

Submission:

Labcorp Genetics (formerly Invitae), Labcorp
Classification: Uncertain significance. Last evaluated: 2024-05-17. Review status: criteria provided, single submitter. Criteria: Invitae Variant Classification Sherloc (09022015). Collection method: clinical testing. Allele origin: germline.
Comment: This sequence change replaces alanine, which is neutral and non-polar, with threonine, which is neutral and polar, at codon 154 of the SLC25A32 protein (p.Ala154Thr). This variant is not present in population databases (gnomAD no frequency). This variant has not been reported in the literature in individuals affected with SLC25A32-related conditions. An algorithm developed to predict the effect of missense changes on protein structure and function (PolyPhen-2) suggests that this variant is likely to be tolerated. In summary, the available evidence is currently insufficient to determine the role of this variant in disease. Therefore, it has been classified as a Variant of Uncertain Significance.

NM_030780.5(SLC25A32):c.460G>A (p.Ala154Thr)

Gene: SLC25A32 (solute carrier family 25 member 32; minus strand). Cytogenetic location: 8q22.3.
Variant type: single nucleotide variant.
Coding change: c.460G>A on transcript NM_030780.5 (MANE Select); coding-DNA position 460, G replaced by A.
Protein change: p.Ala154Thr; replaces alanine 154 with threonine.
Molecular consequence: missense variant. On other transcripts: non-coding transcript variant (2).
Genome position (GRCh38, 1-based): chr8:103,403,256, C>T on the plus strand (G>A on the coding strand, the complement: SLC25A32 is on the minus strand). VCF-style: chr8-103403256-C-T. GRCh37 (hg19) VCF-style: chr8-104415484-C-T.
Other names: short protein forms A154T.
Identifiers: ClinVar variation 3645337 (VCV003645337.2).